The following is an entry in ClinVar:

ClinVar aggregate classification (germline): Uncertain significance (1 of 4 stars; one submission).

Allele frequency attached by ClinVar (database versions not stated): gnomAD exomes below 0.00001; ExAC 0.00001; gnomAD 0.00001; TOPMed 0.00002.
gnomAD v4.1: 7 of 1,614,104 alleles (0.00043%); highest among the groups gnomAD compares: African/African-American, 0.0027%; no homozygotes.

Submission:

Labcorp Genetics (formerly Invitae), Labcorp
Classification: Uncertain significance. Last evaluated: 2024-01-03. Review status: criteria provided, single submitter. Criteria: Invitae Variant Classification Sherloc (09022015). Collection method: clinical testing. Allele origin: germline.
Comment: This sequence change replaces methionine, which is neutral and non-polar, with threonine, which is neutral and polar, at codon 431 of the RNF31 protein (p.Met431Thr). This variant is present in population databases (rs773120362, gnomAD 0.01%). This variant has not been reported in the literature in individuals affected with RNF31-related conditions. An algorithm developed to predict the effect of missense changes on protein structure and function (PolyPhen-2) suggests that this variant is likely to be tolerated. In summary, the available evidence is currently insufficient to determine the role of this variant in disease. Therefore, it has been classified as a Variant of Uncertain Significance.

NM_017999.5(RNF31):c.1292T>C (p.Met431Thr)

Gene: RNF31 (ring finger protein 31; plus strand). Cytogenetic location: 14q12.
Variant type: single nucleotide variant.
Coding change: c.1292T>C on transcript NM_017999.5 (MANE Select); coding-DNA position 1292, T replaced by C.
Protein change: p.Met431Thr; replaces methionine 431 with threonine.
Molecular consequence: missense variant.
Genome position (GRCh38, 1-based): chr14:24,150,692, T>C. VCF-style: chr14-24150692-T-C. GRCh37 (hg19) VCF-style: chr14-24619901-T-C.
Other names: c.839T>C, p.Met280Thr (NM_001310332.2); short protein forms M280T, M431T.
Identifiers: ClinVar variation 2918802 (VCV002918802.3), dbSNP rs773120362, ClinGen allele CA7125736.